The following is an entry in ClinVar:

NM_017763.6(RNF43):c.1671C>A (p.His557Gln)

Gene: RNF43 (ring finger protein 43; minus strand). Cytogenetic location: 17q22.
Variant type: single nucleotide variant.
Coding change: c.1671C>A on transcript NM_017763.6 (MANE Select); coding-DNA position 1671, C replaced by A.
Protein change: p.His557Gln; replaces histidine 557 with glutamine.
Molecular consequence: missense variant.
Genome position (GRCh38, 1-based): chr17:58,358,105, G>T on the plus strand (C>A on the coding strand, the complement: RNF43 is on the minus strand). VCF-style: chr17-58358105-G-T. GRCh37 (hg19) VCF-style: chr17-56435466-G-T.
Other names: c.1671C>A, p.His557Gln (NM_001305544.3); c.1290C>A, p.His430Gln (NM_001305545.2); short protein forms H430Q, H557Q.
Identifiers: ClinVar variation 3789919 (VCV003789919.2).
Genomic context (GRCh38, chr17:58,358,105, plus strand): 5'-CTGGGGGACTCCGGTTTCTGGGCCAGGCTTCCTGCCATGCCACTGGAACCGCTTTTTGTA[G>T]TGGTGGTGCCGGTGGCGGTGGTAGTGGACATGGCTGGAAACCTGGGTTTCCCCTGTGGGC-3'
Protein context (NP_060233.3, residues 547-567): HVHYHRHRHH[His557Gln]YKKRFQWHGR

ClinVar aggregate classification (germline): Uncertain significance. Review status: criteria provided, multiple submitters, no conflicts (2 of 4 stars). 2 submissions from 2 submitters: Uncertain significance (2). Last evaluated 2025-08-11.

gnomAD v4.1: 19 of 1,611,528 alleles (0.0012%); highest among the groups gnomAD compares: Non-Finnish European, 0.0012%; no homozygotes.

Submissions (2):

Labcorp Genetics (formerly Invitae), Labcorp
Classification: Uncertain significance. Last evaluated: 2025-08-11. Review status: criteria provided, single submitter. Criteria: Invitae Variant Classification Sherloc (09022015). Collection method: clinical testing. Allele origin: germline.
Comment: This sequence change replaces histidine, which is basic and polar, with glutamine, which is neutral and polar, at codon 557 of the RNF43 protein (p.His557Gln). This variant is present in population databases (rs201644626, gnomAD 0.007%). This variant has not been reported in the literature in individuals affected with RNF43-related conditions. ClinVar contains an entry for this variant (Variation ID: 3789919). An algorithm developed to predict the effect of missense changes on protein structure and function (PolyPhen-2) suggests that this variant is likely to be disruptive. In summary, the available evidence is currently insufficient to determine the role of this variant in disease. Therefore, it has been classified as a Variant of Uncertain Significance.

Ambry Genetics
Classification: Uncertain significance. Last evaluated: 2025-01-29. Review status: criteria provided, single submitter. Criteria: Ambry Variant Classification Scheme 2023. Collection method: clinical testing. Allele origin: germline.
Comment: The p.H557Q variant (also known as c.1671C>A), located in coding exon 8 of the RNF43 gene, results from a C to A substitution at nucleotide position 1671. The histidine at codon 557 is replaced by glutamine, an amino acid with highly similar properties. This amino acid position is conserved. In addition, this alteration is predicted to be tolerated by in silico analysis. Based on the available evidence, the clinical significance of this variant remains unclear.